The following is an entry in ClinVar:

NM_020822.3(KCNT1):c.1074G>T (p.Lys358Asn)

Gene: KCNT1 (potassium sodium-activated channel subfamily T member 1; plus strand). Cytogenetic location: 9q34.3.
Variant type: single nucleotide variant.
Coding change: c.1074G>T on transcript NM_020822.3 (MANE Select); coding-DNA position 1074, G replaced by T.
Protein change: p.Lys358Asn; replaces lysine 358 with asparagine.
Molecular consequence: missense variant.
Genome position (GRCh38, 1-based): chr9:135,765,069, G>T. VCF-style: chr9-135765069-G-T. GRCh37 (hg19) VCF-style: chr9-138656915-G-T.
Other names: c.939G>T, p.Lys313Asn (NM_001272003.2); short protein forms K313N, K358N.
Identifiers: ClinVar variation 4686757 (VCV004686757.1).

ClinVar aggregate classification (germline): Uncertain significance (1 of 4 stars; one submission).

Submission:

GeneDx
Classification: Uncertain significance. Last evaluated: 2025-07-21. Review status: criteria provided, single submitter. Criteria: GeneDx Variant Classification Process June 2021. Collection method: clinical testing. Allele origin: germline. Affected: yes.
Comment: Not observed at significant frequency in large population cohorts (gnomAD); In silico analysis supports that this missense variant has a deleterious effect on protein structure/function; Has not been previously published as pathogenic or benign to our knowledge